The following is an entry in ClinVar:

ClinVar aggregate classification (germline): Benign. Review status: criteria provided, multiple submitters, no conflicts (2 of 4 stars). 4 submissions from 3 submitters: Benign (4). Last evaluated 2018-06-29.

Conditions:
Disorders of Intracellular Cobalamin Metabolism. Identifiers: MedGen CN043592.
Methylmalonic aciduria and homocystinuria type cblD (MAHCD). Also called: Methylmalonic aciduria with homocystinuria cblD type; METHYLMALONIC ACIDEMIA, cblH TYPE. Identifiers: Orphanet 622, Orphanet 79283, MedGen C1848552, MONDO:0010185, OMIM 277410.

Allele frequency attached by ClinVar (database versions not stated): 1000 Genomes Project 30x 0.99563; 1000 Genomes Project 0.99601; TOPMed 0.99739; gnomAD 0.99742 and 0.99760; gnomAD exomes 0.99981.
gnomAD v4.1: 1,123,395 of 1,123,958 alleles (100%); highest among the groups gnomAD compares: Non-Finnish European, 100%; 561,420 homozygotes.

Submissions (4):

GeneDx
Classification: Benign. Last evaluated: 2018-06-29. Review status: criteria provided, single submitter. Criteria: GeneDx Variant Classification Process June 2021. Collection method: clinical testing. Allele origin: germline. Affected: yes.

Illumina Laboratory Services, Illumina
Classification: Benign for Methylmalonic aciduria and homocystinuria type cblD. Last evaluated: 2018-01-13. Review status: criteria provided, single submitter. Criteria: ICSL Variant Classification Criteria 13 December 2019. Collection method: clinical testing. Allele origin: germline.
Comment: This variant was observed in the ICSL laboratory as part of a predisposition screen in an ostensibly healthy population. It had not been previously curated by ICSL or reported in the Human Gene Mutation Database (HGMD: prior to June 1st, 2018), and was therefore a candidate for classification through an automated scoring system. Utilizing variant allele frequency, disease prevalence and penetrance estimates, and inheritance mode, an automated score was calculated to assess if this variant is too frequent to cause the disease. Based on the score and internal cut-off values, a variant classified as benign is not then subjected to further curation. The score for this variant resulted in a classification of benign for this disease.

Illumina Laboratory Services, Illumina
Classification: Benign for Disorders of Intracellular Cobalamin Metabolism. Last evaluated: 2018-01-13. Review status: criteria provided, single submitter. Criteria: ICSL Variant Classification Criteria 13 December 2019. Collection method: clinical testing. Allele origin: germline.
Comment: the same text as in the submission from Illumina Laboratory Services, Illumina above.

Breakthrough Genomics
Classification: Benign. Review status: criteria provided, single submitter. Criteria: ACMG Guidelines, 2015. Collection method: not provided. Allele origin: germline. Inheritance: Autosomal recessive inheritance. Affected: yes.

NM_015702.3(MMADHC):c.*89T>C

Gene: MMADHC (metabolism of cobalamin associated D; minus strand). Cytogenetic location: 2q23.2.
Variant type: single nucleotide variant.
Coding change: c.*89T>C on transcript NM_015702.3 (MANE Select); 89 bases downstream of the stop codon, T replaced by C.
Molecular consequence: 3 prime UTR variant.
Genome position (GRCh38, 1-based): chr2:149,569,885, A>G on the plus strand (T>C on the coding strand, the complement: MMADHC is on the minus strand). VCF-style: chr2-149569885-A-G. GRCh37 (hg19) VCF-style: chr2-150426399-A-G.
Identifiers: ClinVar variation 331374 (VCV000331374.8), dbSNP rs6742604, ClinGen allele CA10610881.